The following is an entry in ClinVar:

NM_001903.5(CTNNA1):c.286G>T (p.Asp96Tyr)

Gene: CTNNA1 (catenin alpha 1; plus strand). Cytogenetic location: 5q31.2.
Variant type: single nucleotide variant.
Coding change: c.286G>T on transcript NM_001903.5 (MANE Select); coding-DNA position 286, G replaced by T.
Protein change: p.Asp96Tyr; replaces aspartic acid 96 with tyrosine.
Molecular consequence: missense variant. On other transcripts: intron variant (2).
Genome position (GRCh38, 1-based): chr5:138,783,357, G>T. VCF-style: chr5-138783357-G-T. GRCh37 (hg19) VCF-style: chr5-138119046-G-T.
Other names: c.286G>T, p.Asp96Tyr (NM_001290307.3, NM_001323982.2, NM_001323983.1 and 3 more transcripts); c.-6+85G>T (NM_001290310.3); c.-9+1328G>T (NM_001290309.3); short protein forms D96Y.
Identifiers: ClinVar variation 1399338 (VCV001399338.8), dbSNP rs1451287719, ClinGen allele CA361477691.

ClinVar aggregate classification (germline): Uncertain significance (1 of 4 stars; one submission).

Submission:

Labcorp Genetics (formerly Invitae), Labcorp
Classification: Uncertain significance. Last evaluated: 2021-06-05. Review status: criteria provided, single submitter. Criteria: Invitae Variant Classification Sherloc (09022015). Collection method: clinical testing. Allele origin: germline.
Comment: This variant is not present in population databases (ExAC no frequency). In summary, the available evidence is currently insufficient to determine the role of this variant in disease. Therefore, it has been classified as a Variant of Uncertain Significance. Algorithms developed to predict the effect of missense changes on protein structure and function are either unavailable or do not agree on the potential impact of this missense change (SIFT: "Deleterious"; PolyPhen-2: "Possibly Damaging"; Align-GVGD: "Class C15"). This variant has not been reported in the literature in individuals with CTNNA1-related conditions. This sequence change replaces aspartic acid with tyrosine at codon 96 of the CTNNA1 protein (p.Asp96Tyr). The aspartic acid residue is highly conserved and there is a large physicochemical difference between aspartic acid and tyrosine.